The following is an entry in ClinVar:

ClinVar aggregate classification (germline): Benign/Likely benign. Review status: criteria provided, multiple submitters, no conflicts (2 of 4 stars). 3 submissions from 2 submitters: Benign (2); Likely benign (1). Last evaluated 2021-05-24.

Conditions:
Alzheimer disease 3 (AD3). Also called: ALZHEIMER DISEASE, FAMILIAL, 3. Identifiers: Orphanet 1020, MedGen C1843013, MONDO:0011913, OMIM 607822.
Dilated cardiomyopathy 1U. Identifiers: Orphanet 154, MedGen C3160720, MONDO:0013371, OMIM 613694.

Allele frequency attached by ClinVar (database versions not stated): 1000 Genomes Project 0.01757; 1000 Genomes Project 30x 0.01796; gnomAD 0.02245 and 0.02429; TOPMed 0.02497.

Submissions (3):

GeneDx
Classification: Benign. Last evaluated: 2021-05-24. Review status: criteria provided, single submitter. Criteria: GeneDx Variant Classification Process June 2021. Collection method: clinical testing. Allele origin: germline. Affected: yes.

Illumina Laboratory Services, Illumina
Classification: Likely benign for Dilated cardiomyopathy 1U. Last evaluated: 2018-01-12. Review status: criteria provided, single submitter. Criteria: ICSL Variant Classification Criteria 13 December 2019. Collection method: clinical testing. Allele origin: germline.
Comment: This variant was observed in the ICSL laboratory as part of a predisposition screen in an ostensibly healthy population. It had not been previously curated by ICSL or reported in the Human Gene Mutation Database (HGMD: prior to June 1st, 2018), and was therefore a candidate for classification through an automated scoring system. Utilizing variant allele frequency, disease prevalence and penetrance estimates, and inheritance mode, an automated score was calculated to assess if this variant is too frequent to cause the disease. Based on the score and internal cut-off values, a variant classified as likely benign is not then subjected to further curation. The score for this variant resulted in a classification of likely benign for this disease.

Illumina Laboratory Services, Illumina
Classification: Benign for Alzheimer disease 3. Last evaluated: 2018-01-12. Review status: criteria provided, single submitter. Criteria: ICSL Variant Classification Criteria 13 December 2019. Collection method: clinical testing. Allele origin: germline.
Comment: This variant was observed in the ICSL laboratory as part of a predisposition screen in an ostensibly healthy population. It had not been previously curated by ICSL or reported in the Human Gene Mutation Database (HGMD: prior to June 1st, 2018), and was therefore a candidate for classification through an automated scoring system. Utilizing variant allele frequency, disease prevalence and penetrance estimates, and inheritance mode, an automated score was calculated to assess if this variant is too frequent to cause the disease. Based on the score and internal cut-off values, a variant classified as benign is not then subjected to further curation. The score for this variant resulted in a classification of benign for this disease.

NM_000021.4(PSEN1):c.*3889G>A

Gene: PSEN1 (presenilin 1; plus strand). Cytogenetic location: 14q24.2.
Variant type: single nucleotide variant.
Coding change: c.*3889G>A on transcript NM_000021.4 (MANE Select); 3889 bases downstream of the stop codon, G replaced by A.
Molecular consequence: 3 prime UTR variant.
Genome position (GRCh38, 1-based): chr14:73,223,178, G>A. VCF-style: chr14-73223178-G-A. GRCh37 (hg19) VCF-style: chr14-73689886-G-A.
Other names: c.*3889G>A (NM_007318.3).
Identifiers: ClinVar variation 314003 (VCV000314003.8), dbSNP rs17125952, ClinGen allele CA10640779.
Genomic context (GRCh38, chr14:73,223,178, plus strand): 5'-ATCGGGCTCACAGCTCAGAGACATCTGCATGTGATCATCTGCATAGTCCTCTCCTCTAAC[G>A]GGAAACACCTCAGATTTGCATATAAAAAAGCACCCTGGTGCTGAAATGAACCCCTTTCTT-3'